The following is an entry in ClinVar:

ClinVar aggregate classification (germline): Uncertain significance (1 of 4 stars; one submission).

Conditions:
Cardiomyopathy (CMYO). Also called: Cardiomyopathies. Identifiers: Orphanet 167848, MedGen C0878544, MONDO:0004994, HP:0001638. Inheritance: Various modes of inheritance.

Submission:

Color Diagnostics, LLC DBA Color Health
Classification: Uncertain significance for Cardiomyopathy. Last evaluated: 2024-05-13. Review status: criteria provided, single submitter. Criteria: ACMG Guidelines, 2015. Collection method: clinical testing. Allele origin: germline.
Comment: This missense variant replaces phenylalanine with leucine at codon 531 of the DSG2 protein. Computational prediction suggests that this variant may not impact protein structure and function (internally defined REVEL score threshold <= 0.5, PMID: 27666373). To our knowledge, functional studies have not been reported for this variant. This variant has not been reported in individuals affected with DSG2-related disorders in the literature. This variant has not been identified in the general population by the Genome Aggregation Database (gnomAD). The available evidence is insufficient to determine the role of this variant in disease conclusively. Therefore, this variant is classified as a Variant of Uncertain Significance.

NM_001943.5(DSG2):c.1593C>A (p.Phe531Leu)

Gene: DSG2 (desmoglein 2; plus strand). Cytogenetic location: 18q12.1.
Variant type: single nucleotide variant.
Coding change: c.1593C>A on transcript NM_001943.5 (MANE Select); coding-DNA position 1593, C replaced by A.
Protein change: p.Phe531Leu; replaces phenylalanine 531 with leucine.
Molecular consequence: missense variant.
Genome position (GRCh38, 1-based): chr18:31,536,371, C>A. VCF-style: chr18-31536371-C-A. GRCh37 (hg19) VCF-style: chr18-29116334-C-A.
Other names: short protein forms F531L.
Identifiers: ClinVar variation 3893844 (VCV003893844.1).